The following is an entry in ClinVar:

NM_000722.4(CACNA2D1):c.1459G>T (p.Val487Leu)

Gene: CACNA2D1 (calcium voltage-gated channel auxiliary subunit alpha2delta 1; minus strand). Cytogenetic location: 7q21.11.
Variant type: single nucleotide variant.
Coding change: c.1459G>T on transcript NM_000722.4 (MANE Select); coding-DNA position 1459, G replaced by T.
Protein change: p.Val487Leu; replaces valine 487 with leucine.
Molecular consequence: missense variant.
Genome position (GRCh38, 1-based): chr7:82,005,821, C>A on the plus strand (G>T on the coding strand, the complement: CACNA2D1 is on the minus strand). VCF-style: chr7-82005821-C-A. GRCh37 (hg19) VCF-style: chr7-81635137-C-A.
Other names: c.1459G>T, p.Val487Leu (NM_001366867.1); short protein forms V487L.
Identifiers: ClinVar variation 2565384 (VCV002565384.2), dbSNP rs1799063241, ClinGen allele CA367877466.

ClinVar aggregate classification (germline): Uncertain significance (1 of 4 stars; one submission).

Conditions:
Cardiovascular phenotype. Identifiers: MedGen CN230736.

Allele frequency attached by ClinVar (database versions not stated): TOPMed below 0.00001.

Submission:

Ambry Genetics
Classification: Uncertain significance for Cardiovascular phenotype. Last evaluated: 2023-03-19. Review status: criteria provided, single submitter. Criteria: Ambry Variant Classification Scheme 2023. Collection method: clinical testing. Allele origin: germline.
Comment: The p.V487L variant (also known as c.1459G>T), located in coding exon 17 of the CACNA2D1 gene, results from a G to T substitution at nucleotide position 1459. The valine at codon 487 is replaced by leucine, an amino acid with highly similar properties. This amino acid position is conserved. In addition, the in silico prediction for this alteration is inconclusive. Since supporting evidence is limited at this time, the clinical significance of this alteration remains unclear.